The following is an entry in ClinVar:

NM_206926.2(SELENON):c.323G>A (p.Cys108Tyr)

Gene: SELENON (selenoprotein N; plus strand). Cytogenetic location: 1p36.11.
Variant type: single nucleotide variant.
Coding change: c.323G>A on transcript NM_206926.2 (MANE Select); coding-DNA position 323, G replaced by A.
Protein change: p.Cys108Tyr; replaces cysteine 108 with tyrosine.
Molecular consequence: missense variant.
Genome position (GRCh38, 1-based): chr1:25,805,163, G>A. VCF-style: chr1-25805163-G-A. GRCh37 (hg19) VCF-style: chr1-26131654-G-A.
Other names: c.425G>A, p.Cys142Tyr (NM_020451.3); short protein forms C142Y, C108Y.
Identifiers: ClinVar variation 95963 (VCV000095963.32), dbSNP rs7349185, ClinGen allele CA149076.

ClinVar aggregate classification (germline): Benign. Review status: criteria provided, multiple submitters, no conflicts (2 of 4 stars). 16 submissions from 16 submitters: Benign (12). 4 of the submissions do not count toward it. Last evaluated 2026-02-04.

Conditions:
SEPN1-related disorder. Also called: SEPN1-Related Disorders. Identifiers: MedGen CN239420.
Eichsfeld type congenital muscular dystrophy (CMYO3). Also called: MYOPATHY, SEPN1-RELATED; SELENON-related myopathy; Congenital myopathy 3 with rigid spine; Rigid spine muscular dystrophy 1. Identifiers: MedGen C0410180, MONDO:0100100, OMIM 602771.

Allele frequency attached by ClinVar (database versions not stated): gnomAD 0.79388 and 0.78899; TOPMed 0.80299; ExAC 0.81443; 1000 Genomes Project 0.84185; gnomAD exomes 0.79739 and 0.81834; 1000 Genomes Project 30x 0.84026.

Submissions (16):

Labcorp Genetics (formerly Invitae), Labcorp
Classification: Benign for Eichsfeld type congenital muscular dystrophy. Last evaluated: 2026-02-04. Review status: criteria provided, single submitter. Criteria: Invitae Variant Classification Sherloc (09022015). Collection method: clinical testing. Allele origin: germline.

Blueprint Genetics
Classification: Benign. Last evaluated: 2024-11-26. Review status: criteria provided, single submitter. Criteria: ACMG Guidelines, 2015. Collection method: clinical testing. Allele origin: germline.

Genome-Nilou Lab
Classification: Benign for Eichsfeld type congenital muscular dystrophy. Last evaluated: 2021-07-15. Review status: criteria provided, single submitter. Criteria: ACMG Guidelines, 2015. Collection method: clinical testing. Allele origin: germline. Affected: no.

Athena Diagnostics
Classification: Benign. Last evaluated: 2018-12-18. Review status: criteria provided, single submitter. Criteria: Athena Diagnostics Criteria. Collection method: clinical testing. Allele origin: germline.

Mayo Clinic Laboratories, Mayo Clinic
Classification: Benign. Last evaluated: 2017-07-21. Review status: criteria provided, single submitter. Criteria: ACMG Guidelines, 2015. Collection method: clinical testing. Allele origin: germline. Observed: 760 variant alleles.

Illumina Laboratory Services, Illumina
Classification: Benign for SEPN1-Related Disorders. Last evaluated: 2017-04-27. Review status: criteria provided, single submitter. Criteria: ICSL Variant Classification Criteria 13 December 2019. Collection method: clinical testing. Allele origin: germline.
Comment: This variant was observed as part of a predisposition screen in an ostensibly healthy population. A literature search was performed for the gene, cDNA change, and amino acid change (where applicable). No publications were found based on this search. Allele frequency data from public databases was too high to be consistent with this variant causing disease. Therefore, this variant is classified as benign.

Eurofins Ntd Llc (ga)
Classification: Benign. Last evaluated: 2016-06-08. Review status: criteria provided, single submitter. Criteria: EGL Classification Definitions 2015. Collection method: clinical testing. Allele origin: germline. Observed: 69 variant alleles, 20 heterozygotes, 49 homozygotes.

GeneDx
Classification: Benign. Last evaluated: 2016-01-05. Review status: criteria provided, single submitter. Criteria: GeneDx Variant Classification (06012015). Collection method: clinical testing. Allele origin: germline. Affected: yes.
Comment: This variant is considered likely benign or benign based on one or more of the following criteria: it is a conservative change, it occurs at a poorly conserved position in the protein, it is predicted to be benign by multiple in silico algorithms, and/or has population frequency not consistent with disease.

Laboratory for Molecular Medicine, Mass General Brigham Personalized Medicine
Classification: Benign. Last evaluated: 2014-12-11. Review status: criteria provided, single submitter. Criteria: LMM Criteria. Collection method: clinical testing. Allele origin: germline. Observed: 14 variant alleles.
Comment: This is a RefSeq error. The reference base (c.425G) is the minor allele. This al lele (G) has been identified in has been identified in 27% (1834/6748) of Finnis h chromosmes by the Exome Aggregation Consortium (ExAC; dbSNP rs7349185) and thus meets criteria to be classified as benign.

Genetic Services Laboratory, University of Chicago
Classification: Benign for AllHighlyPenetrant. Last evaluated: 2013-08-15. Review status: criteria provided, single submitter. Criteria: ACMG Guidelines, 2007. Collection method: clinical testing. Allele origin: germline. Inheritance: Autosomal recessive inheritance.

Breakthrough Genomics
Classification: Benign. Review status: criteria provided, single submitter. Criteria: ACMG Guidelines, 2015. Collection method: not provided. Allele origin: germline. Inheritance: Autosomal recessive inheritance. Affected: yes.

PreventionGenetics, part of Exact Sciences
Classification: Benign. Review status: criteria provided, single submitter. Criteria: ACMG Guidelines, 2015. Collection method: clinical testing. Allele origin: germline.

Clinical Genetics, Academic Medical Center
Classification: Benign. Review status: no assertion criteria provided. Collection method: clinical testing. Allele origin: germline. Affected: yes. Study: VKGL Data-share Consensus. Not counted in ClinVar's aggregate classification.

Diagnostic Laboratory, Department of Genetics, University Medical Center Groningen
Classification: Benign for Eichsfeld type congenital muscular dystrophy. Review status: no assertion criteria provided. Collection method: clinical testing. Allele origin: germline. Affected: yes. Study: VKGL Data-share Consensus. Not counted in ClinVar's aggregate classification.

Genome Diagnostics Laboratory, University Medical Center Utrecht
Classification: Benign. Review status: no assertion criteria provided. Collection method: clinical testing. Allele origin: germline. Affected: yes. Study: VKGL Data-share Consensus. Not counted in ClinVar's aggregate classification.

Joint Genome Diagnostic Labs from Nijmegen and Maastricht, Radboudumc and MUMC+
Classification: Benign. Review status: no assertion criteria provided. Collection method: clinical testing. Allele origin: germline. Affected: yes. Study: VKGL Data-share Consensus. Not counted in ClinVar's aggregate classification.